The following is an entry in ClinVar:

NM_014243.3(ADAMTS3):c.1677A>G (p.Lys559=)

Gene: ADAMTS3 (ADAM metallopeptidase with thrombospondin type 1 motif 3; minus strand). Cytogenetic location: 4q13.3.
Variant type: single nucleotide variant.
Coding change: c.1677A>G on transcript NM_014243.3 (MANE Select); coding-DNA position 1677, A replaced by G.
Protein change: p.Lys559=; no amino-acid change (lysine 559 retained).
Molecular consequence: synonymous variant.
Genome position (GRCh38, 1-based): chr4:72,313,745, T>C on the plus strand (A>G on the coding strand, the complement: ADAMTS3 is on the minus strand). VCF-style: chr4-72313745-T-C. GRCh37 (hg19) VCF-style: chr4-73179462-T-C.
Identifiers: ClinVar variation 3054087 (VCV003054087.3), dbSNP rs138041073, ClinGen allele CA2956881.
Genomic context (GRCh38, chr4:72,313,745, plus strand): 5'-ATTGCACTGGCGTGTTCTGAAACGAACACCAGTTCCACATGTCCGAGAACAGGAGCCAAA[T>C]TTAGTCCATGACCCCCAATTGCCATCTTGTTTTTGCTGATTAGCATTCTTCCACATGCAA-3'
Protein context (NP_055058.2, residues 549-569): KQDGNWGSWT[Lys559=]FGSCSRTCGT

ClinVar aggregate classification (germline): Likely benign. Review status: criteria provided, single submitter (1 of 4 stars). 2 submissions from 2 submitters: Likely benign (1). 1 of the submissions does not count toward it. Last evaluated 2023-12-01.

Conditions:
ADAMTS3-related disorder. Also called: ADAMTS3-related condition.

Allele frequency attached by ClinVar (database versions not stated): ExAC 0.00008; gnomAD 0.00032; TOPMed 0.00041; ESP Exome Variant Server 0.00046; 1000 Genomes Project 30x 0.00047; 1000 Genomes Project 0.00060.
gnomAD v4.1: 86 of 1,613,884 alleles (0.0053%); highest among the groups gnomAD compares: African/African-American, 0.11%; no homozygotes.

Submissions (2):

Blueprint Genetics
Classification: Likely benign. Last evaluated: 2023-12-01. Review status: criteria provided, single submitter. Criteria: ACMG Guidelines, 2015. Collection method: clinical testing. Allele origin: germline.

PreventionGenetics, part of Exact Sciences
Classification: Likely benign for ADAMTS3-related condition. Last evaluated: 2021-04-06. Review status: no assertion criteria provided. Collection method: clinical testing. Allele origin: germline. Not counted in ClinVar's aggregate classification.
Comment: This variant is classified as likely benign based on ACMG/AMP sequence variant interpretation guidelines (Richards et al. 2015 PMID: 25741868, with internal and published modifications).